The following is an entry in ClinVar:

NM_000379.4(XDH):c.2461G>A (p.Gly821Ser)

Gene: XDH (xanthine dehydrogenase; minus strand). Cytogenetic location: 2p23.1.
Variant type: single nucleotide variant.
Coding change: c.2461G>A on transcript NM_000379.4 (MANE Select); coding-DNA position 2461, G replaced by A.
Protein change: p.Gly821Ser; replaces glycine 821 with serine.
Molecular consequence: missense variant.
Genome position (GRCh38, 1-based): chr2:31,365,540, C>T on the plus strand (G>A on the coding strand, the complement: XDH is on the minus strand). VCF-style: chr2-31365540-C-T. GRCh37 (hg19) VCF-style: chr2-31588406-C-T.
Other names: c.2461G>A (NM_000379.3); short protein forms G821S.
Identifiers: ClinVar variation 3586466 (VCV003586466.2).
Genomic context (GRCh38, chr2:31,365,540, plus strand): 5'-GTCTGCCACCAGTTATCAGCATGTCCTCATCACGGTCCAGCATGCATCGCACAGGGCGGC[C>T]GGTCCTGGGGGTTACCGACAGTGTTAGAAGCCTGTGAGCCTTCAACAGCAGCTCAGCCCT-3'
Protein context (NP_000370.2, residues 811-831): TAVALAAYKT[Gly821Ser]RPVRCMLDRD

ClinVar aggregate classification (germline): Uncertain significance. Review status: criteria provided, multiple submitters, no conflicts (2 of 4 stars). 2 submissions from 2 submitters: Uncertain significance (2). Last evaluated 2026-03-12.

Conditions:
Hereditary xanthinuria type 1 (XAN1). Identifiers: Orphanet 3467, Orphanet 93601, MedGen C0268118, MONDO:0010209, OMIM 278300.

gnomAD v4.1: 21 of 1,613,996 alleles (0.0013%); highest among the groups gnomAD compares: East Asian, 0.0022%; no homozygotes.

Submissions (2):

GeneDx
Classification: Uncertain significance. Last evaluated: 2026-03-12. Review status: criteria provided, single submitter. Criteria: GeneDx Variant Classification Process June 2021. Collection method: clinical testing. Allele origin: germline.
Comment: In silico analysis suggests that this missense variant does not alter protein structure/function; Has not been previously published as pathogenic or benign to our knowledge

Fulgent Genetics
Classification: Uncertain significance for Hereditary xanthinuria type 1. Last evaluated: 2023-12-28. Review status: criteria provided, single submitter. Criteria: ACMG Guidelines, 2015. Collection method: clinical testing. Allele origin: germline.